The following is an entry in ClinVar:

ClinVar aggregate classification (germline): Uncertain significance. Review status: criteria provided, multiple submitters, no conflicts (2 of 4 stars). 2 submissions from 2 submitters: Uncertain significance (2). Last evaluated 2024-11-17.

Conditions:
Cardiovascular phenotype. Identifiers: MedGen CN230736.
RASopathy. Also called: rasopathies; Noonan spectrum disorder. Identifiers: Orphanet 536391, MedGen C5555857, MONDO:0021060.

Allele frequency attached by ClinVar (database versions not stated): gnomAD exomes below 0.00001.
gnomAD v4.1: 3 of 1,610,200 alleles (0.00019%); highest among the groups gnomAD compares: Non-Finnish European, 0.00025%; no homozygotes.

Submissions (2):

Ambry Genetics
Classification: Uncertain significance for Cardiovascular phenotype. Last evaluated: 2024-11-17. Review status: criteria provided, single submitter. Criteria: Ambry Variant Classification Scheme 2023. Collection method: clinical testing. Allele origin: germline.
Comment: The p.L687V variant (also known as c.2059C>G), located in coding exon 12 of the SOS1 gene, results from a C to G substitution at nucleotide position 2059. The leucine at codon 687 is replaced by valine, an amino acid with highly similar properties. This amino acid position is conserved. In addition, the in silico prediction for this alteration is inconclusive. Based on the available evidence, the clinical significance of this variant remains unclear.

Labcorp Genetics (formerly Invitae), Labcorp
Classification: Uncertain significance for RASopathy. Last evaluated: 2024-04-08. Review status: criteria provided, single submitter. Criteria: Invitae Variant Classification Sherloc (09022015). Collection method: clinical testing. Allele origin: germline.
Comment: This sequence change replaces leucine, which is neutral and non-polar, with valine, which is neutral and non-polar, at codon 687 of the SOS1 protein (p.Leu687Val). This variant is not present in population databases (gnomAD no frequency). This variant has not been reported in the literature in individuals affected with SOS1-related conditions. ClinVar contains an entry for this variant (Variation ID: 1361722). Advanced modeling of protein sequence and biophysical properties (such as structural, functional, and spatial information, amino acid conservation, physicochemical variation, residue mobility, and thermodynamic stability) performed at Invitae indicates that this missense variant is expected to disrupt SOS1 protein function with a positive predictive value of 95%. In summary, the available evidence is currently insufficient to determine the role of this variant in disease. Therefore, it has been classified as a Variant of Uncertain Significance.

NM_005633.4(SOS1):c.2059C>G (p.Leu687Val)

Gene: SOS1 (SOS Ras/Rac guanine nucleotide exchange factor 1; minus strand). Cytogenetic location: 2p22.1.
Variant type: single nucleotide variant.
Coding change: c.2059C>G on transcript NM_005633.4 (MANE Select); coding-DNA position 2059, C replaced by G.
Protein change: p.Leu687Val; replaces leucine 687 with valine.
Molecular consequence: missense variant.
Genome position (GRCh38, 1-based): chr2:39,013,871, G>C on the plus strand (C>G on the coding strand, the complement: SOS1 is on the minus strand). VCF-style: chr2-39013871-G-C. GRCh37 (hg19) VCF-style: chr2-39241012-G-C.
Other names: c.2059C>G (NM_005633.3); c.2038C>G, p.Leu680Val (NM_001382394.1); c.2059C>G, p.Leu687Val (NM_001382395.1); short protein forms L687V, L680V.
Identifiers: ClinVar variation 1361722 (VCV001361722.9), dbSNP rs1669541910, ClinGen allele CA346364755.